The following is an entry in ClinVar:

ClinVar aggregate classification (germline): Uncertain significance. Review status: criteria provided, multiple submitters, no conflicts (2 of 4 stars). 2 submissions from 2 submitters: Uncertain significance (2). Last evaluated 2025-09-01.

Submissions (2):

CeGaT Center for Human Genetics Tuebingen
Classification: Uncertain significance. Last evaluated: 2025-09-01. Review status: criteria provided, single submitter. Criteria: CeGaT Center For Human Genetics Tuebingen Variant Classification Criteria Version 2. Collection method: clinical testing. Allele origin: germline. Affected: yes. Observed: 1 variant allele.
Comment: MTOR: PM2

Labcorp Genetics (formerly Invitae), Labcorp
Classification: Uncertain significance. Last evaluated: 2023-09-13. Review status: criteria provided, single submitter. Criteria: Invitae Variant Classification Sherloc (09022015). Collection method: clinical testing. Allele origin: germline.
Comment: In summary, the available evidence is currently insufficient to determine the role of this variant in disease. Therefore, it has been classified as a Variant of Uncertain Significance. Advanced modeling of protein sequence and biophysical properties (such as structural, functional, and spatial information, amino acid conservation, physicochemical variation, residue mobility, and thermodynamic stability) performed at Invitae indicates that this missense variant is not expected to disrupt MTOR protein function. ClinVar contains an entry for this variant (Variation ID: 1713755). This variant has not been reported in the literature in individuals affected with MTOR-related conditions. This variant is not present in population databases (gnomAD no frequency). This sequence change replaces arginine, which is basic and polar, with glycine, which is neutral and non-polar, at codon 360 of the MTOR protein (p.Arg360Gly).

NM_004958.4(MTOR):c.1078C>G (p.Arg360Gly)

Gene: MTOR (mechanistic target of rapamycin kinase; minus strand). Cytogenetic location: 1p36.22.
Variant type: single nucleotide variant.
Coding change: c.1078C>G on transcript NM_004958.4 (MANE Select); coding-DNA position 1078, C replaced by G.
Protein change: p.Arg360Gly; replaces arginine 360 with glycine.
Molecular consequence: missense variant. On other transcripts: 5 prime UTR variant (1).
Genome position (GRCh38, 1-based): chr1:11,247,857, G>C on the plus strand (C>G on the coding strand, the complement: MTOR is on the minus strand). VCF-style: chr1-11247857-G-C. GRCh37 (hg19) VCF-style: chr1-11307914-G-C.
Other names: c.1078C>G, p.Arg360Gly (NM_001386500.1); c.-62C>G (NM_001386501.1); short protein forms R360G.
Identifiers: ClinVar variation 1713755 (VCV001713755.12), dbSNP rs748256443, ClinGen allele CA338399503.
Genomic context (GRCh38, chr1:11,247,857, plus strand): 5'-GAAAGGGCCTCTCACCACTTACCTGATCAAATTTCTCCTCCATCAAGTCTCTGCAACACC[G>C]GCTCTCCACCAGGGTGGACTTAGCTGGACTGGGGGAGGTCCCAAATCCCATGAGGCCTTG-3'
Protein context (NP_004949.1, residues 350-370): SPAKSTLVES[Arg360Gly]CCRDLMEEKF